The following is an entry in ClinVar:

NM_006904.7(PRKDC):c.3715C>T (p.Pro1239Ser)

Gene: PRKDC (protein kinase, DNA-activated, catalytic subunit; minus strand). Cytogenetic location: 8q11.21.
Variant type: single nucleotide variant.
Coding change: c.3715C>T on transcript NM_006904.7 (MANE Select); coding-DNA position 3715, C replaced by T.
Protein change: p.Pro1239Ser; replaces proline 1239 with serine.
Molecular consequence: missense variant.
Genome position (GRCh38, 1-based): chr8:47,893,271, G>A on the plus strand (C>T on the coding strand, the complement: PRKDC is on the minus strand). VCF-style: chr8-47893271-G-A. GRCh37 (hg19) VCF-style: chr8-48805831-G-A.
Other names: c.3715C>T, p.Pro1239Ser (NM_001081640.2); short protein forms P1239S.
Identifiers: ClinVar variation 3310118 (VCV003310118.1).

ClinVar aggregate classification (germline): Uncertain significance (1 of 4 stars; one submission).

Submission:

Ambry Genetics
Classification: Uncertain significance. Last evaluated: 2024-04-15. Review status: criteria provided, single submitter. Criteria: Ambry Variant Classification Scheme 2023. Collection method: clinical testing. Allele origin: germline.
Comment: The p.P1239S variant (also known as c.3715C>T), located in coding exon 31 of the PRKDC gene, results from a C to T substitution at nucleotide position 3715. The proline at codon 1239 is replaced by serine, an amino acid with similar properties. This amino acid position is conserved. In addition, this alteration is predicted to be tolerated by in silico analysis. Based on the available evidence, the clinical significance of this variant remains unclear.